The following is an entry in ClinVar:

NM_006953.4(UPK3A):c.704+8C>A

Gene: UPK3A (uroplakin 3A; plus strand). Cytogenetic location: 22q13.31.
Variant type: single nucleotide variant.
Coding change: c.704+8C>A on transcript NM_006953.4 (MANE Select); 8 bases into the intron after coding-DNA position 704, C replaced by A.
Molecular consequence: intron variant.
Genome position (GRCh38, 1-based): chr22:45,293,321, C>A. VCF-style: chr22-45293321-C-A. GRCh37 (hg19) VCF-style: chr22-45689202-C-A.
Other names: c.341+8C>A (NM_001167574.2).
Identifiers: ClinVar variation 341984 (VCV000341984.7), dbSNP rs112177270, ClinGen allele CA10284510.

ClinVar aggregate classification (germline): Conflicting classifications of pathogenicity. Review status: criteria provided, conflicting classifications (1 of 4 stars). 2 submissions from 2 submitters: Uncertain significance (1); Likely benign (1). Last evaluated 2025-03-23.

Conditions:
Renal hypodysplasia/aplasia 1 (RHDA1). Also called: RENAL APLASIA; HEREDITARY RENAL APLASIA. Identifiers: Orphanet 411709, MedGen C1619700, MONDO:0024519, OMIM 191830.
UPK3A-related disorder. Also called: UPK3A-related condition.

Allele frequency attached by ClinVar (database versions not stated): TOPMed 0.00022.
gnomAD v4.1: 624 of 1,613,684 alleles (0.039%); highest among the groups gnomAD compares: Middle Eastern, 0.2%; 4 homozygotes.

Submissions (2):

PreventionGenetics, part of Exact Sciences
Classification: Likely benign for UPK3A-related condition. Last evaluated: 2025-03-23. Review status: criteria provided, single submitter. Criteria: ACMG Guidelines, 2015. Collection method: clinical testing. Allele origin: germline.
Comment: This variant is classified as likely benign based on ACMG/AMP sequence variant interpretation guidelines (Richards et al. 2015 PMID: 25741868, with internal and published modifications).

Illumina Laboratory Services, Illumina
Classification: Uncertain significance for Renal hypodysplasia/aplasia 1. Last evaluated: 2018-01-12. Review status: criteria provided, single submitter. Criteria: ICSL Variant Classification Criteria 13 December 2019. Collection method: clinical testing. Allele origin: germline.